The following is an entry in ClinVar:

NM_000435.3(NOTCH3):c.1590G>C (p.Glu530Asp)

Gene: NOTCH3 (notch receptor 3; minus strand). Cytogenetic location: 19p13.12.
Variant type: single nucleotide variant.
Coding change: c.1590G>C on transcript NM_000435.3 (MANE Select); coding-DNA position 1590, G replaced by C.
Protein change: p.Glu530Asp; replaces glutamic acid 530 with aspartic acid.
Molecular consequence: missense variant.
Genome position (GRCh38, 1-based): chr19:15,187,897, C>G on the plus strand (G>C on the coding strand, the complement: NOTCH3 is on the minus strand). VCF-style: chr19-15187897-C-G. GRCh37 (hg19) VCF-style: chr19-15298708-C-G.
Other names: short protein forms E530D.
Identifiers: ClinVar variation 4689205 (VCV004689205.1).

ClinVar aggregate classification (germline): Uncertain significance (1 of 4 stars; one submission).

gnomAD v4.1: 4 of 1,549,328 alleles (0.00026%); highest among the groups gnomAD compares: Non-Finnish European, 0.00035%; no homozygotes.

Submission:

Women's Health and Genetics/Laboratory Corporation of America, LabCorp
Classification: Uncertain significance. Last evaluated: 2026-01-20. Review status: criteria provided, single submitter. Criteria: LabCorp Variant Classification Summary - May 2015. Collection method: clinical testing. Allele origin: germline.
Comment: Variant summary: NOTCH3 c.1590G>C (p.Glu530Asp) results in a conservative amino acid change located in the EGF-like repeat (EGFr) region (IPR000742) of the encoded protein sequence. Algorithms developed to predict the effect of missense changes on protein structure and function are either unavailable or do not agree on the potential impact of this missense change. The variant was absent in 155102 control chromosomes. The available data on variant occurrences in the general population are insufficient to allow any conclusion about variant significance. To our knowledge, no occurrence of c.1590G>C in individuals affected with NOTCH3-related conditions and no experimental evidence demonstrating its impact on protein function have been reported. No submitters have cited clinical-significance assessments for this variant to ClinVar. Based on the evidence outlined above, the variant was classified as uncertain significance.